The following is an entry in ClinVar:

ClinVar aggregate classification (germline): Benign/Likely benign. Review status: criteria provided, multiple submitters, no conflicts (2 of 4 stars). 5 submissions from 5 submitters: Benign (1); Likely benign (4). Last evaluated 2025-12-18.

Conditions:
Hereditary nonpolyposis colorectal neoplasms. Identifiers: MedGen C0009405, MeSH D003123.
Lynch syndrome 4 (LYNCH4). Also called: Colorectal cancer, hereditary nonpolyposis, type 4; Hereditary non-polyposis colorectal cancer, type 4. Identifiers: Orphanet 144, MedGen C1838333, MONDO:0013699, OMIM 614337. Disease mechanism: loss of function.
Hereditary cancer-predisposing syndrome. Also called: Tumor predisposition; Hereditary neoplastic syndrome; Neoplastic Syndromes, Hereditary; Hereditary Cancer Syndrome. Identifiers: Orphanet 140162, MedGen C0027672, MeSH D009386, MONDO:0015356.

Allele frequency attached by ClinVar (database versions not stated): gnomAD exomes below 0.00001.
gnomAD v4.1: 4 of 1,611,684 alleles (0.00025%); highest among the groups gnomAD compares: Non-Finnish European, 0.00034%; no homozygotes.

Submissions (5):

Labcorp Genetics (formerly Invitae), Labcorp
Classification: Likely benign for Hereditary nonpolyposis colorectal neoplasms. Last evaluated: 2025-12-18. Review status: criteria provided, single submitter. Criteria: Invitae Variant Classification Sherloc (09022015). Collection method: clinical testing. Allele origin: germline.

Myriad Genetics, Inc.
Classification: Benign for Lynch syndrome 4. Last evaluated: 2025-01-27. Review status: criteria provided, single submitter. Criteria: Myriad Autosomal Dominant, Autosomal Recessive and X-Linked Classification Criteria (2023). Collection method: clinical testing. Allele origin: unknown.
Comment: This variant is considered benign. This variant is a silent/synonymous amino acid change and it is not expected to impact splicing.

Women's Health and Genetics/Laboratory Corporation of America, LabCorp
Classification: Likely benign. Last evaluated: 2023-11-05. Review status: criteria provided, single submitter. Criteria: LabCorp Variant Classification Summary - May 2015. Collection method: clinical testing. Allele origin: germline.

GeneDx
Classification: Likely benign. Last evaluated: 2021-02-11. Review status: criteria provided, single submitter. Criteria: GeneDx Variant Classification Process June 2021. Collection method: clinical testing. Allele origin: germline. Affected: yes.

Ambry Genetics
Classification: Likely benign for Hereditary cancer-predisposing syndrome. Last evaluated: 2018-12-04. Review status: criteria provided, single submitter. Criteria: Ambry Variant Classification Scheme 2023. Collection method: clinical testing. Allele origin: germline.

NM_000535.7(PMS2):c.495A>G (p.Thr165=)

Gene: PMS2 (PMS1 homolog 2, mismatch repair system component; minus strand). Cytogenetic location: 7p22.1.
Variant type: single nucleotide variant.
Coding change: c.495A>G on transcript NM_000535.7 (MANE Select); coding-DNA position 495, A replaced by G.
Protein change: p.Thr165=; no amino-acid change (threonine 165 retained).
Molecular consequence: synonymous variant. On other transcripts: 5 prime UTR variant (2), non-coding transcript variant (1).
Genome position (GRCh38, 1-based): chr7:6,002,495, T>C on the plus strand (A>G on the coding strand, the complement: PMS2 is on the minus strand). VCF-style: chr7-6002495-T-C. GRCh37 (hg19) VCF-style: chr7-6042126-T-C.
Other names: c.90A>G, p.Thr30= (NM_001322003.2, NM_001322004.2, NM_001322005.2 and 3 more transcripts); c.495A>G, p.Thr165= (NM_001322006.2, NM_001322014.2); c.177A>G, p.Thr59= (NM_001322007.2, NM_001322008.2); c.-390A>G (NM_001322011.2, NM_001322012.2); c.186A>G, p.Thr62= (NM_001322015.2).
Identifiers: ClinVar variation 379157 (VCV000379157.16), dbSNP rs1057520513, ClinGen allele CA16605854.